The following is an entry in ClinVar:

NM_001166108.2(PALLD):c.1225G>A (p.Ala409Thr)

Gene: PALLD (palladin, cytoskeletal associated protein; plus strand). Cytogenetic location: 4q32.3.
Variant type: single nucleotide variant.
Coding change: c.1225G>A on transcript NM_001166108.2 (MANE Select); coding-DNA position 1225, G replaced by A.
Protein change: p.Ala409Thr; replaces alanine 409 with threonine.
Molecular consequence: missense variant.
Genome position (GRCh38, 1-based): chr4:168,683,068, G>A. VCF-style: chr4-168683068-G-A. GRCh37 (hg19) VCF-style: chr4-169604219-G-A.
Other names: c.79G>A, p.Ala27Thr (NM_001166109.2); c.1225G>A, p.Ala409Thr (NM_016081.4); short protein forms A27T, A409T.
Identifiers: ClinVar variation 3413630 (VCV003413630.1).

ClinVar aggregate classification (germline): Uncertain significance (1 of 4 stars; one submission).

Submission:

Ambry Genetics
Classification: Uncertain significance. Last evaluated: 2024-09-30. Review status: criteria provided, single submitter. Criteria: Ambry Variant Classification Scheme 2023. Collection method: clinical testing. Allele origin: germline.
Comment: The p.A409T variant (also known as c.1225G>A), located in coding exon 4 of the PALLD gene, results from a G to A substitution at nucleotide position 1225. The alanine at codon 409 is replaced by threonine, an amino acid with similar properties. This amino acid position is conserved. In addition, the in silico prediction for this alteration is inconclusive. Based on the available evidence, the clinical significance of this variant remains unclear.